The following is an entry in ClinVar:

ClinVar aggregate classification (germline): Uncertain significance (1 of 4 stars; one submission).

Conditions:
Propionic acidemia (PROP). Also called: GLYCINEMIA, KETOTIC; HYPERGLYCINEMIA WITH KETOACIDOSIS AND LEUKOPENIA; KETOTIC HYPERGLYCINEMIA. Identifiers: Orphanet 35, MedGen C0268579, MONDO:0011628, OMIM 606054, HP:0003571.

Allele frequency attached by ClinVar (database versions not stated): gnomAD exomes below 0.00001; TOPMed below 0.00001.
gnomAD v4.1: 5 of 1,613,210 alleles (0.00031%); highest among the groups gnomAD compares: Admixed American, 0.0017%; no homozygotes.

Submission:

Labcorp Genetics (formerly Invitae), Labcorp
Classification: Uncertain significance for Propionic acidemia. Last evaluated: 2021-09-01. Review status: criteria provided, single submitter. Criteria: Invitae Variant Classification Sherloc (09022015). Collection method: clinical testing. Allele origin: germline.
Comment: This sequence change replaces aspartic acid with glycine at codon 234 of the PCCA protein (p.Asp234Gly). The aspartic acid residue is moderately conserved and there is a moderate physicochemical difference between aspartic acid and glycine. This variant is not present in population databases (ExAC no frequency). This variant has not been reported in the literature in individuals affected with PCCA-related conditions. Algorithms developed to predict the effect of missense changes on protein structure and function (SIFT, PolyPhen-2, Align-GVGD) all suggest that this variant is likely to be tolerated. In summary, the available evidence is currently insufficient to determine the role of this variant in disease. Therefore, it has been classified as a Variant of Uncertain Significance.

NM_000282.4(PCCA):c.701A>G (p.Asp234Gly)

Gene: PCCA (propionyl-CoA carboxylase subunit alpha; plus strand). Cytogenetic location: 13q32.3.
Variant type: single nucleotide variant.
Coding change: c.701A>G on transcript NM_000282.4 (MANE Select); coding-DNA position 701, A replaced by G.
Protein change: p.Asp234Gly; replaces aspartic acid 234 with glycine.
Molecular consequence: missense variant. On other transcripts: non-coding transcript variant (5), intron variant (3).
Genome position (GRCh38, 1-based): chr13:100,257,658, A>G. VCF-style: chr13-100257658-A-G. GRCh37 (hg19) VCF-style: chr13-100909912-A-G.
Other names: c.623A>G, p.Asp208Gly (NM_001127692.3, NM_001352607.2, NM_001352608.2); c.701A>G, p.Asp234Gly (NM_001178004.2, NM_001352605.2, NM_001352606.2 and 1 more transcripts); c.-229-5071A>G (NM_001352610.2, NM_001352611.2, NM_001352612.2); short protein forms D208G, D234G.
Identifiers: ClinVar variation 2066405 (VCV002066405.1), dbSNP rs1230003941, ClinGen allele CA388694161.